The following is an entry in ClinVar:

NM_177438.3(DICER1):c.3746A>G (p.Lys1249Arg)

Gene: DICER1 (dicer 1, ribonuclease III; minus strand). Cytogenetic location: 14q32.13.
Variant type: single nucleotide variant.
Coding change: c.3746A>G on transcript NM_177438.3 (MANE Select); coding-DNA position 3746, A replaced by G.
Protein change: p.Lys1249Arg; replaces lysine 1249 with arginine.
Molecular consequence: missense variant.
Genome position (GRCh38, 1-based): chr14:95,103,650, T>C on the plus strand (A>G on the coding strand, the complement: DICER1 is on the minus strand). VCF-style: chr14-95103650-T-C. GRCh37 (hg19) VCF-style: chr14-95569987-T-C.
Other names: p.Lys1249Arg; c.3746A>G, p.Lys1249Arg (NM_001195573.1, NM_001271282.3, NM_001291628.2 and 1 more transcripts); short protein forms K1249R.
Identifiers: ClinVar variation 412063 (VCV000412063.18), dbSNP rs527872690, ClinGen allele CA16614189.

ClinVar aggregate classification (germline): Uncertain significance. Review status: criteria provided, multiple submitters, no conflicts (2 of 4 stars). 4 submissions from 4 submitters: Uncertain significance (4). Last evaluated 2026-01-26.

Conditions:
Hereditary cancer-predisposing syndrome. Also called: Hereditary neoplastic syndrome; Neoplastic Syndromes, Hereditary; Tumor predisposition; Hereditary Cancer Syndrome. Identifiers: Orphanet 140162, MedGen C0027672, MeSH D009386, MONDO:0015356.
DICER1-related tumor predisposition. Also called: DICER1-related pleuropulmonary blastoma cancer predisposition syndrome; DICER1 syndrome. Identifiers: Orphanet 284343, MedGen C3839822, MONDO:0100216.

Allele frequency attached by ClinVar (database versions not stated): gnomAD exomes below 0.00001; TOPMed 0.00001; gnomAD 0.00002.
gnomAD v4.1: 10 of 1,614,046 alleles (0.00062%); highest among the groups gnomAD compares: Admixed American, 0.0017%; no homozygotes.

Submissions (4):

Labcorp Genetics (formerly Invitae), Labcorp
Classification: Uncertain significance for DICER1-related tumor predisposition. Last evaluated: 2026-01-26. Review status: criteria provided, single submitter. Criteria: Invitae Variant Classification Sherloc (09022015). Collection method: clinical testing. Allele origin: germline.
Comment: This sequence change replaces lysine, which is basic and polar, with arginine, which is basic and polar, at codon 1249 of the DICER1 protein (p.Lys1249Arg). This variant is present in population databases (rs527872690, gnomAD 0.0009%). This variant has not been reported in the literature in individuals affected with DICER1-related conditions. ClinVar contains an entry for this variant (Variation ID: 412063). Invitae Evidence Modeling of protein sequence and biophysical properties (such as structural, functional, and spatial information, amino acid conservation, physicochemical variation, residue mobility, and thermodynamic stability) indicates that this missense variant is not expected to disrupt DICER1 protein function with a negative predictive value of 95%. In summary, the available evidence is currently insufficient to determine the role of this variant in disease. Therefore, it has been classified as a Variant of Uncertain Significance.

Ambry Genetics
Classification: Uncertain significance for Hereditary cancer-predisposing syndrome. Last evaluated: 2024-03-27. Review status: criteria provided, single submitter. Criteria: Ambry Variant Classification Scheme 2023. Collection method: clinical testing. Allele origin: germline.
Comment: The p.K1249R variant (also known as c.3746A>G), located in coding exon 20 of the DICER1 gene, results from an A to G substitution at nucleotide position 3746. The lysine at codon 1249 is replaced by arginine, an amino acid with highly similar properties. This amino acid position is not well conserved in available vertebrate species. In addition, this alteration is predicted to be tolerated by in silico analysis. Since supporting evidence is limited at this time, the clinical significance of this alteration remains unclear.

Mayo Clinic Laboratories, Mayo Clinic
Classification: Uncertain significance. Last evaluated: 2022-05-04. Review status: criteria provided, single submitter. Criteria: ACMG Guidelines, 2015. Collection method: clinical testing. Allele origin: germline. Observed: 1 variant allele.
Comment: BP4, PM2

Sema4
Classification: Uncertain significance for Hereditary cancer-predisposing syndrome. Last evaluated: 2022-01-12. Review status: criteria provided, single submitter. Criteria: Sema4 Curation Guidelines. Collection method: curation. Allele origin: germline.
Comment: The DICER1 c.3746A>G (p.K1249R) variant has not been reported in the literature to our knowledge. It was observed in 1/251398 chromosomes across all populations, in the large and broad cohorts of the Genome Aggregation Database (PMID: 32461654). This variant has been reported in ClinVar (Variation ID 412063). Functional studies have not been performed, and in silico predictions of the variant's effect on protein function are inconclusive. The evidence is insufficient to meet ACMG/AMP criteria for classifying the variant as benign or pathogenic. Thus, the clinical significance of this variant is currently uncertain.